The following is an entry in ClinVar:

ClinVar aggregate classification (germline): Benign. Review status: criteria provided, multiple submitters, no conflicts (2 of 4 stars). 13 submissions from 13 submitters: Benign (9). 4 of the submissions do not count toward it. Last evaluated 2026-02-04.

Conditions:
Microcephaly 5, primary, autosomal recessive (MCPH5). Also called: ASPM Primary Microcephaly. Identifiers: Orphanet 2512, MedGen C1837501, MONDO:0012106, OMIM 608716.

Allele frequency attached by ClinVar (database versions not stated): ESP Exome Variant Server 0.75512; TOPMed 0.76533; 1000 Genomes Project 30x 0.76983; gnomAD 0.77181 and 0.78251; 1000 Genomes Project 0.78275; ExAC 0.87863; gnomAD exomes 0.88768 and 0.89669.
gnomAD v4.1: 1,409,443 of 1,591,854 alleles (89%); highest among the groups gnomAD compares: East Asian, 100%; 632,356 homozygotes.

Submissions (13):

Labcorp Genetics (formerly Invitae), Labcorp
Classification: Benign. Last evaluated: 2026-02-04. Review status: criteria provided, single submitter. Criteria: Invitae Variant Classification Sherloc (09022015). Collection method: clinical testing. Allele origin: germline.

Blueprint Genetics
Classification: Benign. Last evaluated: 2024-11-26. Review status: criteria provided, single submitter. Criteria: ACMG Guidelines, 2015. Collection method: clinical testing. Allele origin: germline.

Genome-Nilou Lab
Classification: Benign for Microcephaly 5, primary, autosomal recessive. Last evaluated: 2021-07-14. Review status: criteria provided, single submitter. Criteria: ACMG Guidelines, 2015. Collection method: clinical testing. Allele origin: germline. Affected: no.

Illumina Laboratory Services, Illumina
Classification: Benign for Microcephaly 5, primary, autosomal recessive. Last evaluated: 2018-01-13. Review status: criteria provided, single submitter. Criteria: ICSL Variant Classification Criteria 13 December 2019. Collection method: clinical testing. Allele origin: germline.
Comment: This variant was observed in the ICSL laboratory as part of a predisposition screen in an ostensibly healthy population. It had not been previously curated by ICSL or reported in the Human Gene Mutation Database (HGMD: prior to June 1st, 2018), and was therefore a candidate for classification through an automated scoring system. Utilizing variant allele frequency, disease prevalence and penetrance estimates, and inheritance mode, an automated score was calculated to assess if this variant is too frequent to cause the disease. Based on the score and internal cut-off values, a variant classified as benign is not then subjected to further curation. The score for this variant resulted in a classification of benign for this disease.

Athena Diagnostics
Classification: Benign. Last evaluated: 2017-08-02. Review status: criteria provided, single submitter. Criteria: Athena Diagnostics Criteria. Collection method: clinical testing. Allele origin: germline.

GeneDx
Classification: Benign. Last evaluated: 2015-03-03. Review status: criteria provided, single submitter. Criteria: GeneDx Variant Classification Process June 2021. Collection method: clinical testing. Allele origin: germline. Affected: yes.

Eurofins Ntd Llc (ga)
Classification: Benign. Last evaluated: 2015-02-16. Review status: criteria provided, single submitter. Criteria: EGL Classification Definitions 2015. Collection method: clinical testing. Allele origin: germline. Observed: 2 variant alleles, 2 homozygotes.

Breakthrough Genomics
Classification: Benign. Review status: criteria provided, single submitter. Criteria: ACMG Guidelines, 2015. Collection method: not provided. Allele origin: germline. Inheritance: Autosomal recessive inheritance. Affected: yes.

PreventionGenetics, part of Exact Sciences
Classification: Benign. Review status: criteria provided, single submitter. Criteria: ACMG Guidelines, 2015. Collection method: clinical testing. Allele origin: germline.

Clinical Genetics DNA and cytogenetics Diagnostics Lab, Erasmus MC, Erasmus Medical Center
Classification: Benign. Review status: no assertion criteria provided. Collection method: clinical testing. Allele origin: germline. Affected: yes. Study: VKGL Data-share Consensus. Not counted in ClinVar's aggregate classification.

Diagnostic Laboratory, Department of Genetics, University Medical Center Groningen
Classification: Benign for Microcephaly 5, primary, autosomal recessive. Review status: no assertion criteria provided. Collection method: clinical testing. Allele origin: germline. Affected: yes. Study: VKGL Data-share Consensus. Not counted in ClinVar's aggregate classification.

Genetic Services Laboratory, University of Chicago
Classification: Likely benign. Review status: no assertion criteria provided. Collection method: clinical testing. Allele origin: germline. Inheritance: Autosomal recessive inheritance. Not counted in ClinVar's aggregate classification.
Comment: Likely benign based on allele frequency in 1000 Genomes Project or ESP global frequency and its presence in a patient with a rare or unrelated disease phenotype. NOT Sanger confirmed

Joint Genome Diagnostic Labs from Nijmegen and Maastricht, Radboudumc and MUMC+
Classification: Benign. Review status: no assertion criteria provided. Collection method: clinical testing. Allele origin: germline. Affected: yes. Study: VKGL Data-share Consensus. Not counted in ClinVar's aggregate classification.

NM_018136.5(ASPM):c.10331+8A>G

Gene: ASPM (assembly factor for spindle microtubules; minus strand). Cytogenetic location: 1q31.3.
Variant type: single nucleotide variant.
Coding change: c.10331+8A>G on transcript NM_018136.5 (MANE Select); 8 bases into the intron after coding-DNA position 10331, A replaced by G.
Molecular consequence: intron variant.
Genome position (GRCh38, 1-based): chr1:197,086,795, T>C on the plus strand (A>G on the coding strand, the complement: ASPM is on the minus strand). VCF-style: chr1-197086795-T-C. GRCh37 (hg19) VCF-style: chr1-197055925-T-C.
Other names: c.5576+8A>G (NM_001206846.2).
Identifiers: ClinVar variation 157775 (VCV000157775.31), dbSNP rs10754213, ClinGen allele CA171171.